The following is an entry in ClinVar:

NM_000381.4(MID1):c.874C>T (p.Leu292Phe)

Gene: MID1 (midline 1; minus strand). Cytogenetic location: Xp22.2.
Variant type: single nucleotide variant.
Coding change: c.874C>T on transcript NM_000381.4 (MANE Select); coding-DNA position 874, C replaced by T.
Protein change: p.Leu292Phe; replaces leucine 292 with phenylalanine.
Molecular consequence: missense variant.
Genome position (GRCh38, 1-based): chrX:10,482,619, G>A on the plus strand (C>T on the coding strand, the complement: MID1 is on the minus strand). VCF-style: chrX-10482619-G-A. GRCh37 (hg19) VCF-style: chrX-10450659-G-A.
Other names: c.874C>T, p.Leu292Phe (NM_001098624.2, NM_001193277.1, NM_001193279.1 and 2 more transcripts); c.1027C>T, p.Leu343Phe (NM_001193278.1); c.760C>T, p.Leu254Phe (NM_001193280.1, NM_033289.2); short protein forms L254F, L292F, L343F.
Identifiers: ClinVar variation 3367603 (VCV003367603.1).

ClinVar aggregate classification (germline): Uncertain significance (1 of 4 stars; one submission).

Submission:

GeneDx
Classification: Uncertain significance. Last evaluated: 2024-01-12. Review status: criteria provided, single submitter. Criteria: GeneDx Variant Classification Process June 2021. Collection method: clinical testing. Allele origin: germline. Affected: yes.
Comment: Not observed at significant frequency in large population cohorts (gnomAD); In silico analysis supports that this missense variant has a deleterious effect on protein structure/function; Has not been previously published as pathogenic or benign to our knowledge